The following is an entry in ClinVar:

ClinVar aggregate classification (germline): Likely benign. Review status: criteria provided, multiple submitters, no conflicts (2 of 4 stars). 5 submissions from 5 submitters: Likely benign (4). 1 of the submissions does not count toward it. Last evaluated 2026-01-04.

Conditions:
MYH7B-related disorder. Also called: MYH7B-related condition.

Allele frequency attached by ClinVar (database versions not stated): 1000 Genomes Project 30x 0.00250; 1000 Genomes Project 0.00260; ESP Exome Variant Server 0.00439; ExAC 0.00506; TOPMed 0.00509; gnomAD 0.00519 and 0.00531; gnomAD exomes 0.00574 and 0.00589.
gnomAD v4.1: 9,505 of 1,614,020 alleles (0.59%); highest among the groups gnomAD compares: Middle Eastern, 0.84%; 46 homozygotes.

Submissions (5):

Labcorp Genetics (formerly Invitae), Labcorp
Classification: Likely benign. Last evaluated: 2026-01-04. Review status: criteria provided, single submitter. Criteria: Invitae Variant Classification Sherloc (09022015). Collection method: clinical testing. Allele origin: germline.

Genomic Medicine Center of Excellence, King Faisal Specialist Hospital and Research Centre
Classification: Likely benign. Last evaluated: 2025-08-18. Review status: criteria provided, single submitter. Criteria: ACMG Guidelines, 2015. Collection method: clinical testing. Allele origin: germline.

CeGaT Center for Human Genetics Tuebingen
Classification: Likely benign. Last evaluated: 2024-06-01. Review status: criteria provided, single submitter. Criteria: CeGaT Center For Human Genetics Tuebingen Variant Classification Criteria Version 2. Collection method: clinical testing. Allele origin: germline. Affected: yes. Observed: 6 variant alleles.
Comment: MYH7B: BS2

Breakthrough Genomics
Classification: Likely benign. Review status: criteria provided, single submitter. Criteria: ACMG Guidelines, 2015. Collection method: not provided. Allele origin: germline. Inheritance: Unknown mechanism. Affected: yes.

PreventionGenetics, part of Exact Sciences
Classification: Benign for MYH7B-related condition. Last evaluated: 2019-12-02. Review status: no assertion criteria provided. Collection method: clinical testing. Allele origin: germline. Not counted in ClinVar's aggregate classification.
Comment: This variant is classified as benign based on ACMG/AMP sequence variant interpretation guidelines (Richards et al. 2015 PMID: 25741868, with internal and published modifications).

NM_020884.7(MYH7B):c.1222C>T (p.Arg408Cys)

Gene: MYH7B (myosin heavy chain 7B; plus strand). Cytogenetic location: 20q11.22.
Variant type: single nucleotide variant.
Coding change: c.1222C>T on transcript NM_020884.7 (MANE Select); coding-DNA position 1222, C replaced by T.
Protein change: p.Arg408Cys; replaces arginine 408 with cysteine.
Molecular consequence: missense variant.
Genome position (GRCh38, 1-based): chr20:34,987,631, C>T. VCF-style: chr20-34987631-C-T. GRCh37 (hg19) VCF-style: chr20-33575434-C-T.
Other names: c.1348C>T (NM_020884.5); short protein forms R408C.
Identifiers: ClinVar variation 784554 (VCV000784554.36), dbSNP rs45522831, ClinGen allele CA9826859.
Genomic context (GRCh38, chr20:34,987,631, plus strand): 5'-GCCTACCTGATGGGGGTCAGCAGTGGGGACCTCCTCAAAGGCCTTTTGCACCCCCGGGTG[C>T]GTGTAGGGAACGAGTACGTGACCAAGGGCCAGAGTGTGGAGCAGGTGAGCTGCCTGCAGG-3'
Protein context (NP_065935.4, residues 398-418): LLKGLLHPRV[Arg408Cys]VGNEYVTKGQ